The following is an entry in ClinVar:

ClinVar aggregate classification (germline): Uncertain significance (1 of 4 stars; one submission).

Submission:

Labcorp Genetics (formerly Invitae), Labcorp
Classification: Uncertain significance. Last evaluated: 2023-09-10. Review status: criteria provided, single submitter. Criteria: Invitae Variant Classification Sherloc (09022015). Collection method: clinical testing. Allele origin: germline.
Comment: In summary, the available evidence is currently insufficient to determine the role of this variant in disease. Therefore, it has been classified as a Variant of Uncertain Significance. Experimental studies have shown that this missense change does not substantially affect GALNT12 function (PMID: 19617566). Algorithms developed to predict the effect of missense changes on protein structure and function output the following: SIFT: "Not Available"; PolyPhen-2: "Not Available"; Align-GVGD: "Not Available". The arginine amino acid residue is found in multiple mammalian species, which suggests that this missense change does not adversely affect protein function. This missense change has been observed in individual(s) with colorectal cancer (PMID: 24115450). The frequency data for this variant in the population databases is considered unreliable, as metrics indicate insufficient coverage at this position in the gnomAD database. This sequence change replaces glycine, which is neutral and non-polar, with arginine, which is basic and polar, at codon 46 of the GALNT12 protein (p.Gly46Arg).

Literature cited by the submitters: PubMed 19617566; PubMed 24115450.

NM_024642.5(GALNT12):c.136G>C (p.Gly46Arg)

Gene: GALNT12 (polypeptide N-acetylgalactosaminyltransferase 12; plus strand). Cytogenetic location: 9q22.33.
Variant type: single nucleotide variant.
Coding change: c.136G>C on transcript NM_024642.5 (MANE Select); coding-DNA position 136, G replaced by C.
Protein change: p.Gly46Arg; replaces glycine 46 with arginine.
Molecular consequence: missense variant.
Genome position (GRCh38, 1-based): chr9:98,807,834, G>C. VCF-style: chr9-98807834-G-C. GRCh37 (hg19) VCF-style: chr9-101570116-G-C.
Other names: short protein forms G46R.
Identifiers: ClinVar variation 2894512 (VCV002894512.3), dbSNP rs10987768, ClinGen allele CA374222370.